The following is an entry in ClinVar:

NM_005502.4(ABCA1):c.3103+5G>A

Gene: ABCA1 (ATP binding cassette subfamily A member 1; minus strand). Cytogenetic location: 9q31.1.
Variant type: single nucleotide variant.
Coding change: c.3103+5G>A on transcript NM_005502.4 (MANE Select); 5 bases into the intron after coding-DNA position 3103, G replaced by A.
Molecular consequence: intron variant.
Genome position (GRCh38, 1-based): chr9:104,819,922, C>T on the plus strand (G>A on the coding strand, the complement: ABCA1 is on the minus strand). VCF-style: chr9-104819922-C-T. GRCh37 (hg19) VCF-style: chr9-107582203-C-T.
Identifiers: ClinVar variation 3077948 (VCV003077948.1), dbSNP rs749987710, ClinGen allele CA5168554.
Genomic context (GRCh38, chr9:104,819,922, plus strand): 5'-TCCTCCGCATGTGTGTAGCCGGAGGAGGAGGGGAGAGGGATAGGGAAGGTAGCTCTGGGC[C>T]GCACCTGACAGCTGGCTTGTTTTGCTTTTCAGCTTGCTTGATGGCAAACCAACATCCAGG-3'

ClinVar aggregate classification (germline): Uncertain significance (1 of 4 stars; one submission).

Conditions:
Cardiovascular phenotype. Identifiers: MedGen CN230736.

Allele frequency attached by ClinVar (database versions not stated): gnomAD 0.00001; ExAC 0.00002; TOPMed 0.00006.
gnomAD v4.1: 15 of 1,612,346 alleles (0.00093%); highest among the groups gnomAD compares: Admixed American, 0.012%; no homozygotes.

Submission:

Ambry Genetics
Classification: Uncertain significance for Cardiovascular phenotype. Last evaluated: 2024-02-20. Review status: criteria provided, single submitter. Criteria: Ambry Variant Classification Scheme 2023. Collection method: clinical testing. Allele origin: germline.
Comment: The c.3103+5G>A intronic alteration consists of a G to A substitution nucleotides after coding exon 20 in the ABCA1 gene. Based on insufficient or conflicting evidence, the clinical significance of this alteration remains unclear.